The following is an entry in ClinVar:

ClinVar aggregate classification (germline): Uncertain significance. Review status: criteria provided, multiple submitters, no conflicts (2 of 4 stars). 2 submissions from 2 submitters: Uncertain significance (2). Last evaluated 2025-04-13.

Conditions:
Hereditary cancer-predisposing syndrome. Also called: Tumor predisposition; Hereditary neoplastic syndrome; Neoplastic Syndromes, Hereditary; Hereditary Cancer Syndrome. Identifiers: Orphanet 140162, MedGen C0027672, MeSH D009386, MONDO:0015356.
Tuberous sclerosis 2 (TSC2). Identifiers: Orphanet 805, MedGen C1860707, MONDO:0013199, OMIM 613254.

Submissions (2):

Labcorp Genetics (formerly Invitae), Labcorp
Classification: Uncertain significance for Tuberous sclerosis 2. Last evaluated: 2025-04-13. Review status: criteria provided, single submitter. Criteria: Invitae Variant Classification Sherloc (09022015). Collection method: clinical testing. Allele origin: germline.
Comment: This sequence change replaces leucine, which is neutral and non-polar, with phenylalanine, which is neutral and non-polar, at codon 1581 of the TSC2 protein (p.Leu1581Phe). This variant is not present in population databases (gnomAD no frequency). This variant has not been reported in the literature in individuals affected with TSC2-related conditions. ClinVar contains an entry for this variant (Variation ID: 1499786). Invitae Evidence Modeling of protein sequence and biophysical properties (such as structural, functional, and spatial information, amino acid conservation, physicochemical variation, residue mobility, and thermodynamic stability) indicates that this missense variant is not expected to disrupt TSC2 protein function with a negative predictive value of 95%. In summary, the available evidence is currently insufficient to determine the role of this variant in disease. Therefore, it has been classified as a Variant of Uncertain Significance.

Ambry Genetics
Classification: Uncertain significance for Hereditary cancer-predisposing syndrome. Last evaluated: 2024-06-14. Review status: criteria provided, single submitter. Criteria: Ambry Variant Classification Scheme 2023. Collection method: clinical testing. Allele origin: germline.
Comment: The p.L1581F variant (also known as c.4741C>T), located in coding exon 36 of the TSC2 gene, results from a C to T substitution at nucleotide position 4741. The leucine at codon 1581 is replaced by phenylalanine, an amino acid with highly similar properties. This amino acid position is conserved. In addition, this alteration is predicted to be deleterious by in silico analysis. Based on the available evidence, the clinical significance of this variant remains unclear.

NM_000548.5(TSC2):c.4741C>T (p.Leu1581Phe)

Gene: TSC2 (TSC complex subunit 2; plus strand). Cytogenetic location: 16p13.3.
Variant type: single nucleotide variant.
Coding change: c.4741C>T on transcript NM_000548.5 (MANE Select); coding-DNA position 4741, C replaced by T.
Protein change: p.Leu1581Phe; replaces leucine 1581 with phenylalanine.
Molecular consequence: missense variant.
Genome position (GRCh38, 1-based): chr16:2,086,271, C>T. VCF-style: chr16-2086271-C-T. GRCh37 (hg19) VCF-style: chr16-2136272-C-T.
Other names: c.4741C>T (NM_000548.3); c.4540C>T, p.Leu1514Phe (NM_001077183.3); c.4672C>T, p.Leu1558Phe (NM_001114382.3); c.4432C>T, p.Leu1478Phe (NM_001318827.2); c.4396C>T, p.Leu1466Phe (NM_001318829.2); c.4009C>T, p.Leu1337Phe (NM_001318831.2); c.4573C>T, p.Leu1525Phe (NM_001318832.2); c.4543C>T, p.Leu1515Phe (NM_001363528.2); and 2 more; short protein forms L1466F, L1558F, L1581F, L1478F, L1514F, L1515F, L1537F, L1525F.
Identifiers: ClinVar variation 1499786 (VCV001499786.9), dbSNP rs2151572466, ClinGen allele CA394307655.